The following is an entry in ClinVar:

NM_001042432.2(CLN3):c.152C>T (p.Ser51Phe)

Gene: CLN3 (CLN3 lysosomal/endosomal transmembrane protein, battenin; minus strand). Cytogenetic location: 16p12.1.
Variant type: single nucleotide variant.
Coding change: c.152C>T on transcript NM_001042432.2 (MANE Select); coding-DNA position 152, C replaced by T.
Protein change: p.Ser51Phe; replaces serine 51 with phenylalanine.
Molecular consequence: missense variant. On other transcripts: 5 prime UTR variant (3).
Genome position (GRCh38, 1-based): chr16:28,489,360, G>A on the plus strand (C>T on the coding strand, the complement: CLN3 is on the minus strand). VCF-style: chr16-28489360-G-A. GRCh37 (hg19) VCF-style: chr16-28500681-G-A.
Other names: p.Ser51Phe; c.152C>T, p.Ser51Phe (NM_000086.2, NM_001286104.2); c.-69C>T (NM_001286105.2); c.-11C>T (NM_001286109.2, NM_001286110.2); short protein forms S51F.
Identifiers: ClinVar variation 497408 (VCV000497408.16), dbSNP rs780151271, ClinGen allele CA7981042.

ClinVar aggregate classification (germline): Uncertain significance. Review status: criteria provided, multiple submitters, no conflicts (2 of 4 stars). 6 submissions from 6 submitters: Uncertain significance (6). Last evaluated 2025-10-22.

Conditions:
Neuronal ceroid lipofuscinosis. Also called: Neuronal Ceroid Lipofuscinoses. Identifiers: Orphanet 216, Orphanet 79263, MedGen C0027877, MONDO:0016295. Disease mechanism: loss of function.
Neuronal ceroid lipofuscinosis 3 (CLN3). Identifiers: Orphanet 228346, MedGen C0751383, MONDO:0008767, OMIM 204200.

Allele frequency attached by ClinVar (database versions not stated): ExAC 0.00001; gnomAD 0.00001; gnomAD exomes 0.00002 and 0.00006; TOPMed 0.00003.

Submissions (6):

Mayo Clinic Laboratories, Mayo Clinic
Classification: Uncertain significance. Last evaluated: 2025-10-22. Review status: criteria provided, single submitter. Criteria: ACMG Guidelines, 2015. Collection method: clinical testing. Allele origin: germline. Observed: 1 variant allele.
Comment: PM2_supporting

GeneDx
Classification: Uncertain significance. Last evaluated: 2025-06-28. Review status: criteria provided, single submitter. Criteria: GeneDx Variant Classification Process June 2021. Collection method: clinical testing. Allele origin: germline. Affected: yes.
Comment: Not observed at significant frequency in large population cohorts (gnomAD); In silico analysis supports that this missense variant has a deleterious effect on protein structure/function; Has not been previously published as pathogenic or benign to our knowledge

Labcorp Genetics (formerly Invitae), Labcorp
Classification: Uncertain significance for Neuronal ceroid lipofuscinosis. Last evaluated: 2022-07-31. Review status: criteria provided, single submitter. Criteria: Invitae Variant Classification Sherloc (09022015). Collection method: clinical testing. Allele origin: germline.
Comment: This sequence change replaces serine, which is neutral and polar, with phenylalanine, which is neutral and non-polar, at codon 51 of the CLN3 protein (p.Ser51Phe). This variant is present in population databases (rs780151271, gnomAD 0.003%). This missense change has been observed in individual(s) with retinitis pigmentosa (Invitae). ClinVar contains an entry for this variant (Variation ID: 497408). Algorithms developed to predict the effect of missense changes on protein structure and function are either unavailable or do not agree on the potential impact of this missense change (SIFT: "Deleterious"; PolyPhen-2: "Probably Damaging"; Align-GVGD: "Class C0"). In summary, the available evidence is currently insufficient to determine the role of this variant in disease. Therefore, it has been classified as a Variant of Uncertain Significance.

Fulgent Genetics
Classification: Uncertain significance for Neuronal ceroid lipofuscinosis 3. Last evaluated: 2022-03-30. Review status: criteria provided, single submitter. Criteria: ACMG Guidelines, 2015. Collection method: clinical testing. Allele origin: unknown.

Genome-Nilou Lab
Classification: Uncertain significance for Neuronal ceroid lipofuscinosis 3. Last evaluated: 2021-09-05. Review status: criteria provided, single submitter. Criteria: ACMG Guidelines, 2015. Collection method: clinical testing. Allele origin: germline. Affected: no.

Eurofins Ntd Llc (ga)
Classification: Uncertain significance. Last evaluated: 2016-10-04. Review status: criteria provided, single submitter. Criteria: EGL Classification Definitions 2015. Collection method: clinical testing. Allele origin: germline. Observed: 1 variant allele, 1 heterozygote.